The following is an entry in ClinVar:

ClinVar aggregate classification (germline): Pathogenic (1 of 4 stars; one submission).

Conditions:
Congenital myotonia, autosomal dominant form (THD). Also called: THOMSEN DISEASE; Myotonia congenita autosomal dominant. Identifiers: Orphanet 614, MedGen C2936781, MONDO:0008055, OMIM 160800.
Congenital myotonia, autosomal recessive form. Also called: Becker Generalized Myotonia; myotonia congenita, autosomal recessive; BECKER DISEASE. Identifiers: Orphanet 614, MedGen C0751360, MONDO:0009715, OMIM 255700.

Submission:

Labcorp Genetics (formerly Invitae), Labcorp
Classification: Pathogenic for Congenital myotonia, autosomal recessive form; Congenital myotonia, autosomal dominant form. Last evaluated: 2020-01-21. Review status: criteria provided, single submitter. Criteria: Invitae Variant Classification Sherloc (09022015). Collection method: clinical testing. Allele origin: germline.
Comment: Loss-of-function variants in CLCN1 are known to be pathogenic (PMID: 17932099, 22094069, 23739125). For these reasons, this variant has been classified as Pathogenic. This variant has not been reported in the literature in individuals with CLCN1-related conditions. This variant is not present in population databases (ExAC no frequency). This sequence change creates a premature translational stop signal (p.Trp433*) in the CLCN1 gene. It is expected to result in an absent or disrupted protein product.

Literature cited by the submitters: PubMed 17932099; PubMed 22094069; PubMed 23739125.

NM_000083.3(CLCN1):c.1299G>A (p.Trp433Ter)

Gene: CLCN1 (chloride voltage-gated channel 1; plus strand). Cytogenetic location: 7q34.
Variant type: single nucleotide variant.
Coding change: c.1299G>A on transcript NM_000083.3 (MANE Select); coding-DNA position 1299, G replaced by A.
Protein change: p.Trp433Ter; replaces tryptophan 433 with a stop codon.
Molecular consequence: nonsense.
Genome position (GRCh38, 1-based): chr7:143,332,771, G>A. VCF-style: chr7-143332771-G-A. GRCh37 (hg19) VCF-style: chr7-143029864-G-A.
Other names: short protein forms W433*.
Identifiers: ClinVar variation 857226 (VCV000857226.7), dbSNP rs1802763171, ClinGen allele CA369643974.